The following is an entry in ClinVar:

NM_004333.6(BRAF):c.1460T>G (p.Val487Gly)

Gene: BRAF (B-Raf proto-oncogene, serine/threonine kinase; minus strand). Cytogenetic location: 7q34.
Variant type: single nucleotide variant.
Coding change: c.1460T>G on transcript NM_004333.6 (MANE Select); coding-DNA position 1460, T replaced by G.
Protein change: p.Val487Gly; replaces valine 487 with glycine.
Molecular consequence: missense variant.
Genome position (GRCh38, 1-based): chr7:140,778,048, A>C on the plus strand (T>G on the coding strand, the complement: BRAF is on the minus strand). VCF-style: chr7-140778048-A-C. GRCh37 (hg19) VCF-style: chr7-140477848-A-C.
Other names: c.1460T>G, p.Val487Gly (NM_001354609.2, NM_001378468.1, NM_001378474.1); c.1580T>G, p.Val527Gly (NM_001374244.1, NM_001374258.1); c.1469T>G, p.Val490Gly (NM_001378467.1); c.1394T>G, p.Val465Gly (NM_001378469.1); c.1358T>G, p.Val453Gly (NM_001378470.1); c.1349T>G, p.Val450Gly (NM_001378471.1); c.1304T>G, p.Val435Gly (NM_001378472.1, NM_001378473.1); c.1196T>G, p.Val399Gly (NM_001378475.1); short protein forms V487G, V527G, V399G, V465G, V435G, V450G, V453G, V490G.
Identifiers: ClinVar variation 44806 (VCV000044806.20), dbSNP rs397516893, ClinGen allele CA280007.
Genomic context (GRCh38, chr7:140,778,048, plus strand): 5'-CACCTGAGTACTCCTACTTCATTTTTGAAGGCTTGTAACTGCTGAGGTGTAGGTGCTGTC[A>C]CATTCAACATTTTCACTGCCACATCACCTAAAAGGCAATTGTTACTCCAAGTGTCATTTC-3'
Protein context (NP_004324.2, residues 477-497): HGDVAVKMLN[Val487Gly]TAPTPQQLQA

ClinVar aggregate classification (germline): Pathogenic/Likely pathogenic. Review status: criteria provided, multiple submitters, no conflicts (2 of 4 stars). 6 submissions from 6 submitters: Pathogenic (5); Likely pathogenic (1). Last evaluated 2025-11-10.

Conditions:
BRAF-related disorder. Also called: BRAF-related condition.
Cardio-facio-cutaneous syndrome. Also called: Cardiofaciocutaneous syndrome; CFC syndrome. Identifiers: Orphanet 1340, MedGen C1275081, MONDO:0015280. Disease mechanism: gain of function.
Inborn genetic diseases. Identifiers: MedGen C0950123, MeSH D030342.
RASopathy. Also called: rasopathies; Noonan spectrum disorder. Identifiers: Orphanet 536391, MedGen C5555857, MONDO:0021060.

Submissions (6):

Dasa
Classification: Pathogenic. Last evaluated: 2025-11-10. Review status: criteria provided, single submitter. Criteria: DASA Assertion Criteria. Collection method: clinical testing. Allele origin: germline.
Comment: NM_004333.6(BRAF):c.1460T>G (p.Val487Gly) is a missense variant that results in the substitution of valine with glycine. De novo occurrence has been reported in an individual with related phenotype. This variant has been reported in individuals with related phenotype (PMID: 26795593). Multiple computational predictions support a deleterious effect on the gene or gene product. The variant is present at low frequency in population datasets. Based on the available data, this variant is classified as pathogenic.

Labcorp Genetics (formerly Invitae), Labcorp
Classification: Pathogenic for RASopathy. Last evaluated: 2021-07-21. Review status: criteria provided, single submitter. Criteria: Invitae Variant Classification Sherloc (09022015). Collection method: clinical testing. Allele origin: germline.
Comment: For these reasons, this variant has been classified as Pathogenic. This sequence change replaces valine with glycine at codon 487 of the BRAF protein (p.Val487Gly). The valine residue is highly conserved and there is a moderate physicochemical difference between valine and glycine. This variant is not present in population databases (ExAC no frequency). This variant has been observed in individuals with BRAF-related conditions (PMID: 17366577, 22495831, 24719372, 26795593). ClinVar contains an entry for this variant (Variation ID: 44806). Advanced modeling of protein sequence and biophysical properties (such as structural, functional, and spatial information, amino acid conservation, physicochemical variation, residue mobility, and thermodynamic stability) performed at Invitae indicates that this missense variant is expected to disrupt BRAF protein function.

GeneDx
Classification: Pathogenic. Last evaluated: 2021-01-19. Review status: criteria provided, single submitter. Criteria: GeneDx Variant Classification Process June 2021. Collection method: clinical testing. Allele origin: germline. Affected: yes.
Comment: Not observed in large population cohorts (Lek et al., 2016); Missense variants in this gene are often considered pathogenic (Stenson et al., 2014); In silico analysis supports that this missense variant has a deleterious effect on protein structure/function; This variant is associated with the following publications: (PMID: 26795593, 17366577, 24719372, 18470943, 18413255, 33482860, 24803665)

Blueprint Genetics
Classification: Pathogenic for BRAF-related disorders. Last evaluated: 2018-11-14. Review status: criteria provided, single submitter. Criteria: ACMG Guidelines, 2015. Collection method: clinical testing. Allele origin: germline. Affected: yes. Observed: 1 variant allele.

Ambry Genetics
Classification: Pathogenic for Inborn genetic diseases. Last evaluated: 2015-05-29. Review status: criteria provided, single submitter. Criteria: Ambry exome assertion method (8-5-2015). Collection method: clinical testing. Allele origin: germline. Affected: yes. Observed: 1 variant allele.

Laboratory for Molecular Medicine, Mass General Brigham Personalized Medicine
Classification: Likely pathogenic for Cardio-facio-cutaneous syndrome. Last evaluated: 2012-04-13. Review status: criteria provided, single submitter. Criteria: LMM Criteria. Collection method: clinical testing. Allele origin: germline. Observed: 1 variant allele.
Comment: The Val487Gly variant in BRAF has been identified in one individual with Cardio- Facio-Cutaneous (CFC) syndrome and was absent in 210 Caucasian control chromosom es (Narumi 2007). Valine (Val) at position 487 is highly conserved across evolut ionarily distant species, increasing the likelihood that the change would not be tolerated. Computational analyses (biochemical amino acid properties, conservat ion, AlignGVGD, PolyPhen2 and SIFT) suggest that the Val487Gly variant may impac t the protein, though this information is not predictive enough to determine pat hogenicity. In summary, this variant is likely to be pathogenic, though segregat ion studies and functional analyses are required to fully establish the pathogen icity of this variant.

Literature cited by the submitters: PubMed 26795593 (cited by Dasa and Labcorp Genetics (formerly Invitae), Labcorp); PubMed 17366577 (cited by Labcorp Genetics (formerly Invitae), Labcorp and Laboratory for Molecular Medicine, Mass General Brigham Personalized Medicine); PubMed 22495831 (cited by Labcorp Genetics (formerly Invitae), Labcorp); PubMed 24719372 (cited by Labcorp Genetics (formerly Invitae), Labcorp).